The following is an entry in ClinVar:

ClinVar aggregate classification (germline): Likely benign (1 of 4 stars; one submission).

Allele frequency attached by ClinVar (database versions not stated): gnomAD 0.00001; ExAC 0.00002; gnomAD exomes 0.00002; TOPMed 0.00002.
gnomAD v4.1: 27 of 1,612,336 alleles (0.0017%); highest among the groups gnomAD compares: Middle Eastern, 0.016%; no homozygotes.

Submission:

CeGaT Center for Human Genetics Tuebingen
Classification: Likely benign. Last evaluated: 2023-02-01. Review status: criteria provided, single submitter. Criteria: CeGaT Center For Human Genetics Tuebingen Variant Classification Criteria Version 2. Collection method: clinical testing. Allele origin: germline. Affected: yes. Observed: 1 variant allele.
Comment: MYOF: BP4, BP7

NM_013451.4(MYOF):c.3309C>T (p.Thr1103=)

Gene: MYOF (myoferlin; minus strand). Cytogenetic location: 10q23.33.
Variant type: single nucleotide variant.
Coding change: c.3309C>T on transcript NM_013451.4 (MANE Select); coding-DNA position 3309, C replaced by T.
Protein change: p.Thr1103=; no amino-acid change (threonine 1103 retained).
Molecular consequence: synonymous variant.
Genome position (GRCh38, 1-based): chr10:93,355,722, G>A on the plus strand (C>T on the coding strand, the complement: MYOF is on the minus strand). VCF-style: chr10-93355722-G-A. GRCh37 (hg19) VCF-style: chr10-95115479-G-A.
Other names: c.3270C>T, p.Thr1090= (NM_133337.3).
Identifiers: ClinVar variation 2640691 (VCV002640691.24), dbSNP rs762257204, ClinGen allele CA5607536.
Genomic context (GRCh38, chr10:93,355,722, plus strand): 5'-TCCGAACACAGTGGTGGCACTGTGCTTCTGTTTCTCCAGGCTCTTCTCATCCCCATCTTC[G>A]GTAGTGTCTGCCCCCTGAAGTCAATTAACAGAGTCAATTAGCAGAGAAGTCAATAAACAC-3'
Protein context (NP_038479.1, residues 1093-1113): KLEGALGADT[Thr1103=]EDGDEKSLEK